The following is an entry in ClinVar:

ClinVar aggregate classification (germline): Uncertain significance (1 of 4 stars; one submission).

Allele frequency attached by ClinVar (database versions not stated): gnomAD exomes 0.00001.
gnomAD v4.1: 9 of 1,613,988 alleles (0.00056%); highest among the groups gnomAD compares: South Asian, 0.0099%; no homozygotes.

Submission:

Labcorp Genetics (formerly Invitae), Labcorp
Classification: Uncertain significance. Last evaluated: 2023-11-13. Review status: criteria provided, single submitter. Criteria: Invitae Variant Classification Sherloc (09022015). Collection method: clinical testing. Allele origin: germline.
Comment: This sequence change replaces isoleucine, which is neutral and non-polar, with valine, which is neutral and non-polar, at codon 130 of the KLF10 protein (p.Ile130Val). This variant is present in population databases (no rsID available, gnomAD 0.003%). This variant has not been reported in the literature in individuals affected with KLF10-related conditions. Algorithms developed to predict the effect of missense changes on protein structure and function output the following: SIFT: "Not Available"; PolyPhen-2: "Benign"; Align-GVGD: "Not Available". The valine amino acid residue is found in multiple mammalian species, which suggests that this missense change does not adversely affect protein function. In summary, the available evidence is currently insufficient to determine the role of this variant in disease. Therefore, it has been classified as a Variant of Uncertain Significance.

NM_005655.4(KLF10):c.388A>G (p.Ile130Val)

Gene: KLF10 (KLF transcription factor 10; minus strand). Cytogenetic location: 8q22.3.
Variant type: single nucleotide variant.
Coding change: c.388A>G on transcript NM_005655.4 (MANE Select); coding-DNA position 388, A replaced by G.
Protein change: p.Ile130Val; replaces isoleucine 130 with valine.
Molecular consequence: missense variant.
Genome position (GRCh38, 1-based): chr8:102,651,944, T>C on the plus strand (A>G on the coding strand, the complement: KLF10 is on the minus strand). VCF-style: chr8-102651944-T-C. GRCh37 (hg19) VCF-style: chr8-103664172-T-C.
Other names: c.355A>G, p.Ile119Val (NM_001032282.4); short protein forms I119V, I130V.
Identifiers: ClinVar variation 2996848 (VCV002996848.3), dbSNP rs1364273136, ClinGen allele CA371628904.